The following is an entry in ClinVar:

NM_000368.5(TSC1):c.3053C>T (p.Thr1018Ile)

Gene: TSC1 (TSC complex subunit 1; minus strand). Cytogenetic location: 9q34.13.
Variant type: single nucleotide variant.
Coding change: c.3053C>T on transcript NM_000368.5 (MANE Select); coding-DNA position 3053, C replaced by T.
Protein change: p.Thr1018Ile; replaces threonine 1018 with isoleucine.
Molecular consequence: missense variant. On other transcripts: non-coding transcript variant (5).
Genome position (GRCh38, 1-based): chr9:132,896,677, G>A on the plus strand (C>T on the coding strand, the complement: TSC1 is on the minus strand). VCF-style: chr9-132896677-G-A. GRCh37 (hg19) VCF-style: chr9-135772064-G-A.
Other names: c.3050C>T, p.Thr1017Ile (NM_001162426.2, NM_001406597.1, NM_001406598.1 and 2 more transcripts); c.2900C>T, p.Thr967Ile (NM_001162427.2, NM_001406610.1); c.2690C>T, p.Thr897Ile (NM_001362177.2, NM_001406614.1, NM_001406615.1 and 4 more transcripts); c.3053C>T, p.Thr1018Ile (NM_001406592.1, NM_001406593.1, NM_001406594.1 and 2 more transcripts); c.3038C>T, p.Thr1013Ile (NM_001406601.1, NM_001406602.1); c.3035C>T, p.Thr1012Ile (NM_001406603.1, NM_001406604.1); c.3011C>T, p.Thr1004Ile (NM_001406605.1, NM_001406606.1, NM_001406607.1); c.3008C>T, p.Thr1003Ile (NM_001406608.1, NM_001406609.1); and 8 more; short protein forms T1003I, T1004I, T1012I, T1013I, T1018I, T882I, T883I, T896I.
Identifiers: ClinVar variation 3572060 (VCV003572060.1).

ClinVar aggregate classification (germline): Uncertain significance (1 of 4 stars; one submission).

Submission:

Quest Diagnostics Nichols Institute San Juan Capistrano
Classification: Uncertain significance. Last evaluated: 2024-11-11. Review status: criteria provided, single submitter. Criteria: Quest Diagnostics criteria. Collection method: clinical testing. Allele origin: unknown.
Comment: The TSC1 c.3053C>T (p.Thr1018Ile) variant has not been reported in individuals with TSC1-related conditions in the published literature. It also has not been reported in large, multi-ethnic general populations (Genome Aggregation Database). Analysis of this variant using bioinformatics tools for the prediction of the effect of amino acid changes on protein structure and function yielded predictions that this variant is benign. Based on the available information, we are unable to determine the clinical significance of this variant.